The following is an entry in ClinVar:

ClinVar aggregate classification (germline): Likely pathogenic (1 of 4 stars; one submission).

Submission:

CeGaT Center for Human Genetics Tuebingen
Classification: Likely pathogenic. Last evaluated: 2025-12-01. Review status: criteria provided, single submitter. Criteria: CeGaT Center For Human Genetics Tuebingen Variant Classification Criteria Version 2. Collection method: clinical testing. Allele origin: germline. Affected: yes. Observed: 1 variant allele.
Comment: NAA10: PM2, PM5, PS2:Moderate, PP2

NM_003491.4(NAA10):c.445C>G (p.Arg149Gly)

Gene: NAA10 (N-alpha-acetyltransferase 10, NatA catalytic subunit; minus strand). Cytogenetic location: Xq28.
Variant type: single nucleotide variant.
Coding change: c.445C>G on transcript NM_003491.4 (MANE Select); coding-DNA position 445, C replaced by G.
Protein change: p.Arg149Gly; replaces arginine 149 with glycine.
Molecular consequence: missense variant.
Genome position (GRCh38, 1-based): chrX:153,930,789, G>C on the plus strand (C>G on the coding strand, the complement: NAA10 is on the minus strand). VCF-style: chrX-153930789-G-C. GRCh37 (hg19) VCF-style: chrX-153196242-G-C.
Other names: c.400C>G, p.Arg134Gly (NM_001256119.2); c.427C>G, p.Arg143Gly (NM_001256120.2); short protein forms R134G, R143G, R149G.
Identifiers: ClinVar variation 4681857 (VCV004681857.5).